The following is an entry in ClinVar:

ClinVar aggregate classification (germline): Uncertain significance. Review status: criteria provided, multiple submitters, no conflicts (2 of 4 stars). 2 submissions from 2 submitters: Uncertain significance (2). Last evaluated 2025-10-22.

Conditions:
Inborn genetic diseases. Identifiers: MedGen C0950123, MeSH D030342.
Joubert syndrome 21 (JBTS21). Identifiers: MedGen C3810212, MONDO:0014288, OMIM 615636.

Allele frequency attached by ClinVar (database versions not stated): gnomAD exomes 0.00008 and 0.00012; gnomAD 0.00009 and 0.00007; ExAC 0.00012; TOPMed 0.00012; 1000 Genomes Project 0.00080; 1000 Genomes Project 30x 0.00094.
gnomAD v4.1: 128 of 1,613,144 alleles (0.0079%); highest among the groups gnomAD compares: Admixed American, 0.065%; no homozygotes.

Submissions (2):

Labcorp Genetics (formerly Invitae), Labcorp
Classification: Uncertain significance for Joubert syndrome 21. Last evaluated: 2025-10-22. Review status: criteria provided, single submitter. Criteria: Invitae Variant Classification Sherloc (09022015). Collection method: clinical testing. Allele origin: germline.
Comment: This sequence change replaces tyrosine, which is neutral and polar, with cysteine, which is neutral and slightly polar, at codon 822 of the CSPP1 protein (p.Tyr822Cys). This variant is present in population databases (rs185130908, gnomAD 0.06%). This variant has not been reported in the literature in individuals affected with CSPP1-related conditions. ClinVar contains an entry for this variant (Variation ID: 1429585). An algorithm developed to predict the effect of missense changes on protein structure and function (PolyPhen-2) suggests that this variant is likely to be disruptive. In summary, the available evidence is currently insufficient to determine the role of this variant in disease. Therefore, it has been classified as a Variant of Uncertain Significance.

Ambry Genetics
Classification: Uncertain significance for Inborn genetic diseases. Last evaluated: 2021-10-18. Review status: criteria provided, single submitter. Criteria: Ambry Variant Classification Scheme 2023. Collection method: clinical testing. Allele origin: germline.

NM_001382391.1(CSPP1):c.2480A>G (p.Tyr827Cys)

Gene: CSPP1 (centrosome and spindle pole associated protein 1; plus strand). Cytogenetic location: 8q13.2.
Variant type: single nucleotide variant.
Coding change: c.2480A>G on transcript NM_001382391.1 (MANE Select); coding-DNA position 2480, A replaced by G.
Protein change: p.Tyr827Cys; replaces tyrosine 827 with cysteine.
Molecular consequence: missense variant.
Genome position (GRCh38, 1-based): chr8:67,159,079, A>G. VCF-style: chr8-67159079-A-G. GRCh37 (hg19) VCF-style: chr8-68071314-A-G.
Other names: c.1430A>G, p.Tyr477Cys (NM_001291339.2); c.2399A>G, p.Tyr800Cys (NM_001363131.2); c.2285A>G, p.Tyr762Cys (NM_001363132.2); c.2204A>G, p.Tyr735Cys (NM_001363133.2); c.2546A>G, p.Tyr849Cys (NM_001364869.1); c.2366A>G, p.Tyr789Cys (NM_001364870.1); c.2465A>G, p.Tyr822Cys (NM_024790.7); short protein forms Y822C, Y849C, Y735C, Y762C, Y477C, Y789C, Y800C, Y827C.
Identifiers: ClinVar variation 1429585 (VCV001429585.6), dbSNP rs185130908, ClinGen allele CA4770845.